The following is an entry in ClinVar:

NM_000384.3(APOB):c.5109C>T (p.Ala1703=)

Gene: APOB (apolipoprotein B; minus strand). Cytogenetic location: 2p24.1.
Variant type: single nucleotide variant.
Coding change: c.5109C>T on transcript NM_000384.3 (MANE Select); coding-DNA position 5109, C replaced by T.
Protein change: p.Ala1703=; no amino-acid change (alanine 1703 retained).
Molecular consequence: synonymous variant.
Genome position (GRCh38, 1-based): chr2:21,011,759, G>A on the plus strand (C>T on the coding strand, the complement: APOB is on the minus strand). VCF-style: chr2-21011759-G-A. GRCh37 (hg19) VCF-style: chr2-21234631-G-A.
Identifiers: ClinVar variation 1083120 (VCV001083120.14), dbSNP rs535176100, ClinGen allele CA061687.

ClinVar aggregate classification (germline): Likely benign. Review status: criteria provided, multiple submitters, no conflicts (2 of 4 stars). 3 submissions from 3 submitters: Likely benign (3). Last evaluated 2026-05-08.

Conditions:
Familial hypobetalipoproteinemia 1. Also called: APOB-Related Familial Hypobetalipoproteinemia; Hypobetalipoproteinemia, normotriglyceridemic; Acanthocytosis with hypobetalipoproteinemia. Identifiers: MedGen C4551990, MONDO:0014252, OMIM 615558.
Hypercholesterolemia, autosomal dominant, type B (FHCL2). Also called: Hyperlipoproteinemia Type IIb; Familial hypercholesterolemia 2; Familial Hypercholesterolemia Type B; APOLIPOPROTEIN B-100, FAMILIAL DEFECTIVE; APOLIPOPROTEIN B-100, FAMILIAL LIGAND-DEFECTIVE; HYPERCHOLESTEROLEMIA, FAMILIAL, DUE TO LIGAND-DEFECTIVE APOLIPOPROTEIN B. Identifiers: MedGen C1704417, MONDO:0007751, OMIM 144010.
Cardiovascular phenotype. Identifiers: MedGen CN230736.
Familial hypercholesterolemia. Also called: Familial hypercholesterolemias; Familial hypercholesterolaemia. Identifiers: MedGen C0020445, MONDO:0005439.

Allele frequency attached by ClinVar (database versions not stated): 1000 Genomes Project 30x 0.00016; 1000 Genomes Project 0.00020; gnomAD exomes 0.00001 and 0.00002; ExAC 0.00002; gnomAD 0.00003.
gnomAD v4.1: 21 of 1,614,068 alleles (0.0013%); highest among the groups gnomAD compares: Admixed American, 0.0067%; no homozygotes.

Submissions (3):

GENinCode PLC
Classification: Likely benign for Familial hypercholesterolemia. Last evaluated: 2026-05-08. Review status: criteria provided, single submitter. Criteria: ACMG Guidelines, 2015. Collection method: clinical testing. Allele origin: germline.
Comment: This is a synonymous (silent) variant that is not predicted to impact splicing and occurs at a nucleotide which is not highly conserved. This variant has been classified as Likely Benign (BP4, BP7).

Labcorp Genetics (formerly Invitae), Labcorp
Classification: Likely benign for Familial hypobetalipoproteinemia 1; Hypercholesterolemia, autosomal dominant, type B. Last evaluated: 2025-10-01. Review status: criteria provided, single submitter. Criteria: Invitae Variant Classification Sherloc (09022015). Collection method: clinical testing. Allele origin: germline.

Ambry Genetics
Classification: Likely benign for Cardiovascular phenotype. Last evaluated: 2021-01-28. Review status: criteria provided, single submitter. Criteria: Ambry Variant Classification Scheme 2023. Collection method: clinical testing. Allele origin: germline.